The following is an entry in ClinVar:

ClinVar aggregate classification (germline): Uncertain significance (1 of 4 stars; one submission).

Conditions:
Familial adenomatous polyposis 1 (FAP1). Also called: FAMILIAL ADENOMATOUS POLYPOSIS 1, ATTENUATED; POLYPOSIS, ADENOMATOUS INTESTINAL. Identifiers: MedGen C2713442, MONDO:0021056, OMIM 175100. Disease mechanism: loss of function.

Allele frequency attached by ClinVar (database versions not stated): gnomAD 0.00001; TOPMed 0.00002.
gnomAD v4.1: 1 of 533,108 alleles (0.00019%); highest among the groups gnomAD compares: Non-Finnish European, 0.00032%; no homozygotes.

Submission:

Labcorp Genetics (formerly Invitae), Labcorp
Classification: Uncertain significance for Familial adenomatous polyposis 1. Last evaluated: 2025-12-20. Review status: criteria provided, single submitter. Criteria: Invitae Variant Classification Sherloc (09022015). Collection method: clinical testing. Allele origin: germline.
Comment: This variant occurs in a non-coding region of the APC gene. It does not change the encoded amino acid sequence of the APC protein. This variant is not present in population databases (gnomAD no frequency). This variant has not been reported in the literature in individuals affected with APC-related conditions. Experimental studies and prediction algorithms are not available or were not evaluated, and the functional significance of this variant is currently unknown. In summary, the available evidence is currently insufficient to determine the role of this variant in disease. Therefore, it has been classified as a Variant of Uncertain Significance.

NM_001127511.3(APC):c.-175G>C

Gene: APC (APC regulator of Wnt signaling pathway; plus strand). Cytogenetic location: 5q22.2.
Variant type: single nucleotide variant.
Coding change: c.-175G>C on transcript NM_001127511.3; 175 bases upstream of the start codon, G replaced by C.
Molecular consequence: 5 prime UTR variant. On other transcripts: non-coding transcript variant (2).
Genome position (GRCh38, 1-based): chr5:112,707,543, G>C. VCF-style: chr5-112707543-G-C. GRCh37 (hg19) VCF-style: chr5-112043240-G-C.
Other names: c.-358G>C (NM_001354895.2, NM_001407447.1, NM_001407452.1 and 3 more transcripts); c.-175G>C (NM_001354897.2, NM_001354902.2, NM_001407446.1); c.-125G>C (NM_001407448.1, NM_001407450.1, NM_001407457.1 and 1 more transcripts); c.-149G>C (NM_001407453.1); c.-1393G>C (NM_001407470.1, NM_001407472.1).
Identifiers: ClinVar variation 1024508 (VCV001024508.7), dbSNP rs1334013498, ClinGen allele CA802057046.